The following is an entry in ClinVar:

NM_032119.4(ADGRV1):c.2063T>A (p.Val688Asp)

Gene: ADGRV1 (adhesion G protein-coupled receptor V1; plus strand). Cytogenetic location: 5q14.3.
Variant type: single nucleotide variant.
Coding change: c.2063T>A on transcript NM_032119.4 (MANE Select); coding-DNA position 2063, T replaced by A.
Protein change: p.Val688Asp; replaces valine 688 with aspartic acid.
Molecular consequence: missense variant. On other transcripts: non-coding transcript variant (1).
Genome position (GRCh38, 1-based): chr5:90,637,771, T>A. VCF-style: chr5-90637771-T-A. GRCh37 (hg19) VCF-style: chr5-89933588-T-A.
Other names: short protein forms V688D.
Identifiers: ClinVar variation 2428270 (VCV002428270.5), dbSNP rs1359724269, ClinGen allele CA360383517.

ClinVar aggregate classification (germline): Uncertain significance. Review status: criteria provided, multiple submitters, no conflicts (2 of 4 stars). 2 submissions from 2 submitters: Uncertain significance (2). Last evaluated 2022-01-04.

Allele frequency attached by ClinVar (database versions not stated): gnomAD exomes 0.00001.
gnomAD v4.1: 4 of 1,613,528 alleles (0.00025%); highest among the groups gnomAD compares: Non-Finnish European, 0.00034%; no homozygotes.

Submissions (2):

Labcorp Genetics (formerly Invitae), Labcorp
Classification: Uncertain significance. Last evaluated: 2022-01-04. Review status: criteria provided, single submitter. Criteria: Invitae Variant Classification Sherloc (09022015). Collection method: clinical testing. Allele origin: germline.
Comment: In summary, the available evidence is currently insufficient to determine the role of this variant in disease. Therefore, it has been classified as a Variant of Uncertain Significance. Algorithms developed to predict the effect of missense changes on protein structure and function are either unavailable or do not agree on the potential impact of this missense change (SIFT: "Deleterious"; PolyPhen-2: "Possibly Damaging"; Align-GVGD: "Class C0"). This variant has not been reported in the literature in individuals affected with ADGRV1-related conditions. This variant is present in population databases (no rsID available, gnomAD 0.0009%). This sequence change replaces valine, which is neutral and non-polar, with aspartic acid, which is acidic and polar, at codon 688 of the ADGRV1 protein (p.Val688Asp).

Blueprint Genetics
Classification: Uncertain significance. Last evaluated: 2019-11-26. Review status: criteria provided, single submitter. Criteria: ACMG Guidelines, 2015. Collection method: clinical testing. Allele origin: germline.